The following is an entry in ClinVar:

NM_006363.6(SEC23B):c.1402C>T (p.Gln468Ter)

Gene: SEC23B (SEC23 homolog B, COPII component; plus strand). Cytogenetic location: 20p11.23.
Variant type: single nucleotide variant.
Coding change: c.1402C>T on transcript NM_006363.6 (MANE Select); coding-DNA position 1402, C replaced by T.
Protein change: p.Gln468Ter; replaces glutamine 468 with a stop codon.
Molecular consequence: nonsense.
Genome position (GRCh38, 1-based): chr20:18,535,740, C>T. VCF-style: chr20-18535740-C-T. GRCh37 (hg19) VCF-style: chr20-18516384-C-T.
Other names: c.1402C>T, p.Gln468Ter (NM_001172745.3, NM_032985.6, NM_032986.5); c.1348C>T, p.Gln450Ter (NM_001172746.3); short protein forms Q468*, Q450*.
Identifiers: ClinVar variation 2921892 (VCV002921892.3), dbSNP rs2517489991, ClinGen allele CA408363482.
Genomic context (GRCh38, chr20:18,535,740, plus strand): 5'-TGGAAAATCTGTGGCCTAGATCCTACATCTACACTTGGCATCTATTTTGAAGTTGTCAAT[C>T]AGGTGAGTTGGATTTCTTCACATGTCTTCATGTCTTAGTGTCCTGTTTTGTGATTTATCT-3'

ClinVar aggregate classification (germline): Pathogenic (1 of 4 stars; one submission).

Conditions:
Congenital dyserythropoietic anemia, type II (CDAN2). Also called: DYSERYTHROPOIETIC ANEMIA, HEMPAS TYPE. Identifiers: Orphanet 98873, MedGen C1306589, MONDO:0009134, OMIM 224100.
Cowden syndrome 7 (CWS7). Identifiers: Orphanet 201, MedGen C4225179, MONDO:0014802, OMIM 616858.

Submission:

Labcorp Genetics (formerly Invitae), Labcorp
Classification: Pathogenic for Congenital dyserythropoietic anemia, type II; Cowden syndrome 7. Last evaluated: 2024-01-02. Review status: criteria provided, single submitter. Criteria: Invitae Variant Classification Sherloc (09022015). Collection method: clinical testing. Allele origin: germline.
Comment: This sequence change creates a premature translational stop signal (p.Gln468*) in the SEC23B gene. It is expected to result in an absent or disrupted protein product. Loss-of-function variants in SEC23B are known to be pathogenic (PMID: 19561605, 25044164). This variant is not present in population databases (gnomAD no frequency). This variant has not been reported in the literature in individuals affected with SEC23B-related conditions. For these reasons, this variant has been classified as Pathogenic.

Literature cited by the submitters: PubMed 19561605; PubMed 25044164.